The following is an entry in ClinVar:

NM_001256317.3(TMPRSS3):c.818G>T (p.Gly273Val)

Gene: TMPRSS3 (transmembrane serine protease 3; minus strand). Cytogenetic location: 21q22.3.
Variant type: single nucleotide variant.
Coding change: c.818G>T on transcript NM_001256317.3 (MANE Select); coding-DNA position 818, G replaced by T.
Protein change: p.Gly273Val; replaces glycine 273 with valine.
Molecular consequence: missense variant.
Genome position (GRCh38, 1-based): chr21:42,382,199, C>A on the plus strand (G>T on the coding strand, the complement: TMPRSS3 is on the minus strand). VCF-style: chr21-42382199-C-A. GRCh37 (hg19) VCF-style: chr21-43802308-C-A.
Other names: c.818G>T, p.Gly273Val (NM_024022.4, NM_032405.2); c.437G>T, p.Gly146Val (NM_032404.3); short protein forms G273V, G146V.
Identifiers: ClinVar variation 2445669 (VCV002445669.1), dbSNP rs2052544781, ClinGen allele CA410372818.

ClinVar aggregate classification (germline): Likely pathogenic (1 of 4 stars; one submission).

Conditions:
Autosomal recessive nonsyndromic hearing loss 8 (DFNB8). Also called: NEUROSENSORY NONSYNDROMIC RECESSIVE DEAFNESS 8; Deafness, autosomal recessive 10. Identifiers: Orphanet 90636, MedGen C1832827, MONDO:0010987, OMIM 601072.

Allele frequency attached by ClinVar (database versions not stated): gnomAD 0.00001.
gnomAD v4.1: 1 of 1,614,040 alleles (0.000062%); highest among the groups gnomAD compares: Admixed American, 0.0017%; no homozygotes.

Submission:

King Laboratory, University of Washington
Classification: Likely pathogenic for Autosomal recessive nonsyndromic hearing loss 8. Last evaluated: 2023-02-28. Review status: criteria provided, single submitter. Criteria: Li et al. (Genet Med. 2022). Collection method: research. Allele origin: unknown. Affected: yes.
Comment: This variant occurred in compound heterozygosity with a TMPRSS3 frameshift variant in a patient with bilateral sensorineural hearing loss of onset <18 years, in a study of pediatric hearing loss conducted by the King Laboratory (Carlson RJ et al. JAMA-OtoHNS 2023). This variant is a missense at a highly conserved site in the peptidase S1 domain of the TMPRSS3 protein and is predicted to be damaging by multiple in-silico tools. As of January 2023, this variant has not been reported to ClinVar and is not found on gnomAD. Based on consistently predicted functional effect, compound heterozygosity with a loss-of-function variant, and goodness of fit of genotype to phenotype, we conclude that this variant is likely pathogenic.

Literature cited by the submitters: PubMed 36633841.